The following is an entry in ClinVar:

NM_001378615.1(CC2D2A):c.344C>A (p.Ala115Glu)

Genes: CC2D2A (coiled-coil and C2 domain containing 2A; plus strand), FBXL5 (F-box and leucine rich repeat protein 5; minus strand). Cytogenetic location: 4p15.32.
Variant type: single nucleotide variant.
Coding change: c.344C>A on transcript NM_001378615.1 (MANE Select); coding-DNA position 344, C replaced by A.
Protein change: p.Ala115Glu; replaces alanine 115 with glutamic acid.
Molecular consequence: missense variant.
Genome position (GRCh38, 1-based): chr4:15,502,829, C>A. VCF-style: chr4-15502829-C-A. GRCh37 (hg19) VCF-style: chr4-15504452-C-A.
Other names: p.Ala115Glu; c.344C>A, p.Ala115Glu (NM_001080522.2); c.197C>A, p.Ala66Glu (NM_001378617.1); short protein forms A115E, A66E.
Identifiers: ClinVar variation 4540976 (VCV004540976.1).

ClinVar aggregate classification (germline): Uncertain significance (1 of 4 stars; one submission).

Submission:

Mayo Clinic Laboratories, Mayo Clinic
Classification: Uncertain significance. Last evaluated: 2025-01-13. Review status: criteria provided, single submitter. Criteria: ACMG Guidelines, 2015. Collection method: clinical testing. Allele origin: germline. Observed: 1 variant allele.
Comment: BP4_moderate, PM2_supporting